The following is an entry in ClinVar:

NM_001014987.2(LAT):c.245C>T (p.Pro82Leu)

Gene: LAT (linker for activation of T cells; plus strand). Cytogenetic location: 16p11.2.
Variant type: single nucleotide variant.
Coding change: c.245C>T on transcript NM_001014987.2 (MANE Select); coding-DNA position 245, C replaced by T.
Protein change: p.Pro82Leu; replaces proline 82 with leucine.
Molecular consequence: missense variant.
Genome position (GRCh38, 1-based): chr16:28,986,216, C>T. VCF-style: chr16-28986216-C-T. GRCh37 (hg19) VCF-style: chr16-28997537-C-T.
Other names: c.245C>T, p.Pro82Leu (NM_001014988.2, NM_014387.4); c.353C>T, p.Pro118Leu (NM_001014989.2); short protein forms P82L, P118L.
Identifiers: ClinVar variation 735030 (VCV000735030.11), dbSNP rs41292396, ClinGen allele CA7989891.

ClinVar aggregate classification (germline): Conflicting classifications of pathogenicity. Review status: criteria provided, conflicting classifications (1 of 4 stars). 3 submissions from 3 submitters: Uncertain significance (1); Likely benign (2). Last evaluated 2026-04-09.

Allele frequency attached by ClinVar (database versions not stated): TOPMed 0.00064; gnomAD 0.00080 and 0.00156; ExAC 0.00135; 1000 Genomes Project 0.00140; 1000 Genomes Project 30x 0.00141.
gnomAD v4.1: 1,003 of 1,595,370 alleles (0.063%); highest among the groups gnomAD compares: East Asian, 0.66%; 1 homozygote.

Submissions (3):

Women's Health and Genetics/Laboratory Corporation of America, LabCorp
Classification: Likely benign. Last evaluated: 2026-04-09. Review status: criteria provided, single submitter. Criteria: LabCorp Variant Classification Summary - May 2015. Collection method: clinical testing. Allele origin: germline.
Comment: Variant summary: LAT c.245C>T (p.Pro82Leu) results in a non-conservative amino acid change in the encoded protein sequence. Algorithms developed to predict the effect of missense changes on protein structure and function are either unavailable or do not agree on the potential impact of this missense change. Consensus agreement among computation tools predict no significant impact on normal splicing. However, these predictions have yet to be confirmed by functional studies. The variant allele was found at a frequency of 0.0013 in 234050 control chromosomes, predominantly at a frequency of 0.0073 within the East Asian subpopulation in the gnomAD database. The observed variant frequency within East Asian control individuals in the gnomAD database exceeds the estimated maximal expected allele frequency for disease-causing variants in LAT. c.245C>T has been observed in individual(s) affected with clinical features of systemic lupus erythematosus, chronic refractory immune thrombocytopenia, and primary ovarian insufficiency (example, Wang_2020, Zhao_2021, Chu_2021) without strong evidence for causality. These report(s) do not provide unequivocal conclusions about association of the variant with Severe combined immunodeficiency due to LAT deficiency. At least one publication reports experimental evidence evaluating an impact on protein function. The most pronounced variant effect results in >50%-90% of normal expression in vitro (example, Chu_2021). The following publications have been ascertained in the context of this evaluation (PMID: 31848144, 34786962, 34868246). ClinVar contains an entry for this variant (Variation ID: 735030). Based on the evidence outlined above, the variant was classified as likely benign.

Labcorp Genetics (formerly Invitae), Labcorp
Classification: Likely benign. Last evaluated: 2026-01-26. Review status: criteria provided, single submitter. Criteria: Invitae Variant Classification Sherloc (09022015). Collection method: clinical testing. Allele origin: germline.

Blueprint Genetics
Classification: Uncertain significance. Last evaluated: 2024-11-21. Review status: criteria provided, single submitter. Criteria: ACMG Guidelines, 2015. Collection method: clinical testing. Allele origin: germline.

Literature cited by the submitters: PubMed 31848144 (cited by Women's Health and Genetics/Laboratory Corporation of America, LabCorp); PubMed 34868246 (cited by Women's Health and Genetics/Laboratory Corporation of America, LabCorp); PubMed 34786962 (cited by Women's Health and Genetics/Laboratory Corporation of America, LabCorp).